The following is an entry in ClinVar:

ClinVar aggregate classification (germline): Likely benign (1 of 4 stars; one submission).

gnomAD v4.1: 2 of 1,613,952 alleles (0.00012%); highest among the groups gnomAD compares: Non-Finnish European, 0.000085%; no homozygotes.

Submission:

CeGaT Center for Human Genetics Tuebingen
Classification: Likely benign. Last evaluated: 2026-05-01. Review status: criteria provided, single submitter. Criteria: CeGaT Center For Human Genetics Tuebingen Variant Classification Criteria Version 2. Collection method: clinical testing. Allele origin: germline. Affected: yes. Observed: 1 variant allele.
Comment: RHOBTB2: BP4, BP7

NM_015178.3(RHOBTB2):c.1401T>C (p.Ile467=)

Gene: RHOBTB2 (Rho related BTB domain containing 2; plus strand). Cytogenetic location: 8p21.3.
Variant type: single nucleotide variant.
Coding change: c.1401T>C on transcript NM_015178.3 (MANE Select); coding-DNA position 1401, T replaced by C.
Protein change: p.Ile467=; no amino-acid change (isoleucine 467 retained).
Molecular consequence: synonymous variant.
Genome position (GRCh38, 1-based): chr8:23,007,646, T>C. VCF-style: chr8-23007646-T-C. GRCh37 (hg19) VCF-style: chr8-22865159-T-C.
Other names: c.1467T>C, p.Ile489= (NM_001160036.2); c.1422T>C, p.Ile474= (NM_001160037.2); c.1401T>C, p.Ile467= (NM_001374791.1).
Identifiers: ClinVar variation 4873504 (VCV004873504.2).